The following is an entry in ClinVar:

ClinVar aggregate classification (germline): Uncertain significance (1 of 4 stars; one submission).

Allele frequency attached by ClinVar (database versions not stated): gnomAD exomes 0.00001; ExAC 0.00002; gnomAD 0.00003; TOPMed 0.00003.
gnomAD v4.1: 14 of 1,614,074 alleles (0.00087%); highest among the groups gnomAD compares: East Asian, 0.031%; no homozygotes.

Submission:

Mayo Clinic Laboratories, Mayo Clinic
Classification: Uncertain significance. Last evaluated: 2022-06-08. Review status: criteria provided, single submitter. Criteria: ACMG Guidelines, 2015. Collection method: clinical testing. Allele origin: germline. Observed: 1 variant allele.
Comment: BP4, PM2

NM_032382.5(COG8):c.726G>A (p.Glu242=)

Gene: COG8 (component of oligomeric golgi complex 8; minus strand). Cytogenetic location: 16q22.1.
Variant type: single nucleotide variant.
Coding change: c.726G>A on transcript NM_032382.5 (MANE Select); coding-DNA position 726, G replaced by A.
Protein change: p.Glu242=; no amino-acid change (glutamic acid 242 retained).
Molecular consequence: synonymous variant.
Genome position (GRCh38, 1-based): chr16:69,335,208, C>T on the plus strand (G>A on the coding strand, the complement: COG8 is on the minus strand). VCF-style: chr16-69335208-C-T. GRCh37 (hg19) VCF-style: chr16-69369111-C-T.
Other names: p.Glu242=; c.726G>A, p.Glu242= (NM_001374871.1, NM_001379261.1, NM_001379262.1 and 4 more transcripts).
Identifiers: ClinVar variation 2683372 (VCV002683372.1), dbSNP rs772400702, ClinGen allele CA8133873.
Genomic context (GRCh38, chr16:69,335,208, plus strand): 5'-AATGGCAGTCAGGATGGACCGGAGCCAAGCATCTCGGGCCTGAAGAAACTTCACCCTCAA[C>T]TCAGCCTCAGTGAAGACGTCCATGCGCCGCAGGTAGCCAATGACACGGAGGCAGGCAGGA-3'
Protein context (NP_115758.3, residues 232-252): LRRMDVFTEA[Glu242=]LRVKFLQARD